The following is an entry in ClinVar:

NM_004360.5(CDH1):c.48G>A (p.Gln16=)

Gene: CDH1 (cadherin 1; plus strand). Cytogenetic location: 16q22.1.
Variant type: single nucleotide variant.
Coding change: c.48G>A on transcript NM_004360.5 (MANE Select); coding-DNA position 48, G replaced by A.
Protein change: p.Gln16=; no amino-acid change (glutamine 16 retained).
Molecular consequence: synonymous variant. On other transcripts: 5 prime UTR variant (2).
Genome position (GRCh38, 1-based): chr16:68,737,463, G>A. VCF-style: chr16-68737463-G-A. GRCh37 (hg19) VCF-style: chr16-68771366-G-A.
Other names: c.48G>A (LRG_301t1, NM_004360.4); c.48G>A, p.Gln16= (NM_001317184.2); c.-1568G>A (NM_001317185.2); c.-1772G>A (NM_001317186.2).
Identifiers: ClinVar variation 574809 (VCV000574809.10), dbSNP rs749591910, ClinGen allele CA496149577.
Genomic context (GRCh38, chr16:68,737,463, plus strand): 5'-TCCCCGGCCAGCCATGGGCCCTTGGAGCCGCAGCCTCTCGGCGCTGCTGCTGCTGCTGCA[G>A]GTACCCCGGATCCCCTGACTTGCGAGGGACGCATTCGGGCCGCAAGCTCCGCGCCCCAGC-3'
Protein context (NP_004351.1, residues 6-26): RSLSALLLLL[Gln16=]VSSWLCQEPE

ClinVar aggregate classification (germline): Conflicting classifications of pathogenicity. Review status: criteria provided, conflicting classifications (1 of 4 stars). 3 submissions from 3 submitters: Pathogenic (1); Uncertain significance (2). Last evaluated 2026-03-17.

Conditions:
Hereditary diffuse gastric adenocarcinoma (HDGC). Also called: DIFFUSE GASTRIC AND LOBULAR BREAST CANCER SYNDROME. Identifiers: Orphanet 26106, MedGen C1708349, MONDO:0007648, OMIM 137215.
Hereditary cancer-predisposing syndrome. Also called: Tumor predisposition; Hereditary Cancer Syndrome; Neoplastic Syndromes, Hereditary; Hereditary neoplastic syndrome. Identifiers: Orphanet 140162, MedGen C0027672, MeSH D009386, MONDO:0015356.

Submissions (3):

Ambry Genetics
Classification: Uncertain significance for Hereditary cancer-predisposing syndrome. Last evaluated: 2026-03-17. Review status: criteria provided, single submitter. Criteria: Ambry Variant Classification Scheme 2023. Collection method: clinical testing. Allele origin: germline.
Comment: The c.48G>A variant (also known as p.Q16Q), located in coding exon 1 of the CDH1 gene, results from a G to A substitution at nucleotide position 48. This nucleotide substitution does not change the at codon 16. However, this change occurs in the last base pair of coding exon 1, which makes it likely to have some effect on normal mRNA splicing. This nucleotide position is highly conserved in available vertebrate species. In silico splice site analysis predicts that this alteration will weaken the native splice donor site and may result in the creation or strengthening of a novel splice donor site; however, direct evidence is insufficient at this time (Ambry internal data). Based on the available evidence, the clinical significance of this variant remains unclear.

Labcorp Genetics (formerly Invitae), Labcorp
Classification: Uncertain significance for Hereditary diffuse gastric adenocarcinoma. Last evaluated: 2025-02-12. Review status: criteria provided, single submitter. Criteria: Invitae Variant Classification Sherloc (09022015). Collection method: clinical testing. Allele origin: germline.
Comment: This sequence change affects codon 16 of the CDH1 mRNA. It is a 'silent' change, meaning that it does not change the encoded amino acid sequence of the CDH1 protein. This variant also falls at the last nucleotide of exon 1, which is part of the consensus splice site for this exon. This variant is not present in population databases (gnomAD no frequency). This variant has been observed in individual(s) with gastric cancer (PMID: 36436516). ClinVar contains an entry for this variant (Variation ID: 574809). Variants that disrupt the consensus splice site are a relatively common cause of aberrant splicing (PMID: 17576681, 9536098). RNA analysis performed to evaluate the impact of this variant on mRNA splicing indicates it does not significantly alter splicing (internal data). In summary, the available evidence is currently insufficient to determine the role of this variant in disease. Therefore, it has been classified as a Variant of Uncertain Significance.

European Reference Network on Genetic Tumour Risk Syndromes (ERN-GENTURIS), i3s - Instituto de Investigação e Inovação em Saúde, University of Porto
Classification: Pathogenic for Hereditary diffuse gastric adenocarcinoma. Last evaluated: 2022-08-01. Review status: criteria provided, single submitter. Criteria: Lee et al. (Hum Mutat. 2018). Collection method: clinical testing. Allele origin: germline. Inheritance: Autosomal dominant inheritance. Affected: yes. Study: ERN GENTURIS.
Comment: PVS1_Moderate; PS3; PS4_Supporting; PM2; PP1_Supporting (PMID: 30311375)

Literature cited by the submitters: PubMed 36436516 (cited by Labcorp Genetics (formerly Invitae), Labcorp and European Reference Network on Genetic Tumour Risk Syndromes (ERN-GENTURIS), i3s - Instituto de Investigação e Inovação em Saúde, University of Porto); PubMed 17576681 (cited by Labcorp Genetics (formerly Invitae), Labcorp); PubMed 9536098 (cited by Labcorp Genetics (formerly Invitae), Labcorp).